The following is an entry in ClinVar:

ClinVar aggregate classification (germline): Likely pathogenic (1 of 4 stars; one submission).

Conditions:
HSPB1-related disorder. Also called: HSPB1-related disorders; HSPB1-related condition.

Submission:

PreventionGenetics, part of Exact Sciences
Classification: Likely pathogenic for HSPB1-related condition. Last evaluated: 2025-06-28. Review status: criteria provided, single submitter. Criteria: ACMG Guidelines, 2015. Collection method: clinical testing. Allele origin: germline.
Comment: The HSPB1 c.-217T>C variant is located in the 5' untranslated region. This variant has been reported in an individual with features of amyotrophic lateral sclerosis and in vitro functional characterization supports its pathogenicity (Dierick et al. 2007. PubMed ID: 17623484). This variant is reported in 0.0065% of alleles in individuals of European (Non-Finnish) descent in gnomAD. This variant is interpreted as likely pathogenic.

NC_000007.14:g.76302496T>C

Gene: HSPB1 (heat shock protein family B (small) member 1; plus strand). Cytogenetic location: 7q11.23.
Variant type: single nucleotide variant.
Genome position: GRCh38 VCF-style: chr7-76302496-T-C. GRCh37 (hg19) VCF-style: chr7-75931813-T-C.
Identifiers: ClinVar variation 4983790 (VCV004983790.1).